The following is an entry in ClinVar:

ClinVar aggregate classification (germline): Uncertain significance (1 of 4 stars; one submission).

Submission:

GeneDx
Classification: Uncertain significance. Last evaluated: 2026-01-07. Review status: criteria provided, single submitter. Criteria: GeneDx Variant Classification Process June 2021. Collection method: clinical testing. Allele origin: germline.
Comment: Not observed at significant frequency in large population cohorts (gnomAD); In silico analysis supports that this missense variant has a deleterious effect on protein structure/function; Has not been previously published as pathogenic or benign to our knowledge

NM_001128840.3(CACNA1D):c.3702T>A (p.Asn1234Lys)

Gene: CACNA1D (calcium voltage-gated channel subunit alpha1 D; plus strand). Cytogenetic location: 3p21.1.
Variant type: single nucleotide variant.
Coding change: c.3702T>A on transcript NM_001128840.3 (MANE Select); coding-DNA position 3702, T replaced by A.
Protein change: p.Asn1234Lys; replaces asparagine 1234 with lysine.
Molecular consequence: missense variant.
Genome position (GRCh38, 1-based): chr3:53,753,598, T>A. VCF-style: chr3-53753598-T-A. GRCh37 (hg19) VCF-style: chr3-53787625-T-A.
Other names: c.3762T>A, p.Asn1254Lys (NM_000720.4); c.3702T>A, p.Asn1234Lys (NM_001128839.3); short protein forms N1234K, N1254K.
Identifiers: ClinVar variation 3906376 (VCV003906376.2).